The following is an entry in ClinVar:

ClinVar aggregate classification (germline): Uncertain significance (1 of 4 stars; one submission).

gnomAD v4.1: 6 of 1,613,712 alleles (0.00037%); highest among the groups gnomAD compares: East Asian, 0.0022%; no homozygotes.

Submission:

Labcorp Genetics (formerly Invitae), Labcorp
Classification: Uncertain significance. Last evaluated: 2019-12-31. Review status: criteria provided, single submitter. Criteria: Invitae Variant Classification Sherloc (09022015). Collection method: clinical testing. Allele origin: germline.
Comment: This sequence change replaces arginine with glutamine at codon 677 of the RP1 protein (p.Arg677Gln). The arginine residue is weakly conserved and there is a small physicochemical difference between arginine and glutamine. This variant is not present in population databases (ExAC no frequency). This variant has not been reported in the literature in individuals with RP1-related conditions. In summary, the available evidence is currently insufficient to determine the role of this variant in disease. Therefore, it has been classified as a Variant of Uncertain Significance. Algorithms developed to predict the effect of missense changes on protein structure and function output the following: SIFT: "Tolerated"; PolyPhen-2: "Benign"; Align-GVGD: "Class C0". The glutamine amino acid residue is found in multiple mammalian species, suggesting that this missense change does not adversely affect protein function. These predictions have not been confirmed by published functional studies and their clinical significance is uncertain.

NM_006269.2(RP1):c.2030G>A (p.Arg677Gln)

Gene: RP1 (RP1 axonemal microtubule associated; plus strand). Cytogenetic location: 8q12.1.
Variant type: single nucleotide variant.
Coding change: c.2030G>A on transcript NM_006269.2 (MANE Select); coding-DNA position 2030, G replaced by A.
Protein change: p.Arg677Gln; replaces arginine 677 with glutamine.
Molecular consequence: missense variant. On other transcripts: intron variant (1).
Genome position (GRCh38, 1-based): chr8:54,625,912, G>A. VCF-style: chr8-54625912-G-A. GRCh37 (hg19) VCF-style: chr8-55538472-G-A.
Other names: c.787+3624G>A (NM_001375654.1); short protein forms R677Q.
Identifiers: ClinVar variation 842331 (VCV000842331.10), dbSNP rs940904438, ClinGen allele CA177236987.